The following is an entry in ClinVar:

NM_024570.4(RNASEH2B):c.595C>T (p.Gln199Ter)

Gene: RNASEH2B (ribonuclease H2 subunit B; plus strand). Cytogenetic location: 13q14.3.
Variant type: single nucleotide variant.
Coding change: c.595C>T on transcript NM_024570.4 (MANE Select); coding-DNA position 595, C replaced by T.
Protein change: p.Gln199Ter; replaces glutamine 199 with a stop codon.
Molecular consequence: nonsense.
Genome position (GRCh38, 1-based): chr13:50,945,511, C>T. VCF-style: chr13-50945511-C-T. GRCh37 (hg19) VCF-style: chr13-51519647-C-T.
Other names: c.595C>T, p.Gln199Ter (NM_001142279.2, NM_001411023.1); short protein forms Q199*.
Identifiers: ClinVar variation 5013567 (VCV005013567.1).

ClinVar aggregate classification (germline): Pathogenic (1 of 4 stars; one submission).

Conditions:
Aicardi-Goutieres syndrome 2. Identifiers: Orphanet 51, MedGen C3489724, MONDO:0012429, OMIM 610181.

Submission:

Myriad Genetics, Inc.
Classification: Pathogenic for Aicardi-Goutieres syndrome 2. Last evaluated: 2024-09-18. Review status: criteria provided, single submitter. Criteria: Myriad Autosomal Dominant, Autosomal Recessive and X-Linked Classification Criteria (2023). Collection method: clinical testing. Allele origin: unknown.
Comment: NM_024570.3(RNASEH2B):c.595C>T(Q199*) is expected to be pathogenic in the context of Aicardi-Goutieres syndrome, RNASEH2B-related. This variant is predicted to lead to an abnormal or absent protein product due to the creation of a premature termination codon in RNASEH2B, a gene where loss-of-function variants are known to be pathogenic. Please note: this variant was assessed in the context of healthy population screening.